The following is an entry in ClinVar:

ClinVar aggregate classification (germline): Likely benign (1 of 4 stars; one submission).

Allele frequency attached by ClinVar (database versions not stated): gnomAD 0.00001; TOPMed 0.00002.
gnomAD v4.1: 16 of 1,579,912 alleles (0.001%); highest among the groups gnomAD compares: Non-Finnish European, 0.0013%; no homozygotes.

Submission:

GeneDx
Classification: Likely benign. Last evaluated: 2017-09-01. Review status: criteria provided, single submitter. Criteria: GeneDx Variant Classification (06012015). Collection method: clinical testing. Allele origin: germline. Affected: yes.
Comment: This variant is considered likely benign or benign based on one or more of the following criteria: it is a conservative change, it occurs at a poorly conserved position in the protein, it is predicted to be benign by multiple in silico algorithms, and/or has population frequency not consistent with disease.

NM_004415.4(DSP):c.-44G>A

Genes: DSP-AS1 (DSP antisense RNA 1; minus strand), DSP (desmoplakin; plus strand). Cytogenetic location: 6p24.3.
Variant type: single nucleotide variant.
Coding change: c.-44G>A on transcript NM_004415.4 (MANE Select); 44 bases upstream of the start codon, G replaced by A.
Molecular consequence: 5 prime UTR variant.
Genome position (GRCh38, 1-based): chr6:7,541,872, G>A. VCF-style: chr6-7541872-G-A. GRCh37 (hg19) VCF-style: chr6-7542105-G-A.
Other names: c.-44G>A (LRG_423t1, NM_001008844.3, NM_001319034.2).
Identifiers: ClinVar variation 511763 (VCV000511763.1), dbSNP rs1041217575, ClinGen allele CA133979917.